The following is an entry in ClinVar:

ClinVar aggregate classification (germline): Pathogenic (1 of 4 stars; one submission).

Conditions:
Familial focal epilepsy with variable foci (FPEVF). Identifiers: Orphanet 98820, MedGen C1858477, MONDO:0020310.

Submission:

Labcorp Genetics (formerly Invitae), Labcorp
Classification: Pathogenic for Familial focal epilepsy with variable foci. Last evaluated: 2024-01-30. Review status: criteria provided, single submitter. Criteria: Invitae Variant Classification Sherloc (09022015). Collection method: clinical testing. Allele origin: germline.
Comment: This sequence change creates a premature translational stop signal (p.Trp980*) in the DEPDC5 gene. It is expected to result in an absent or disrupted protein product. Loss-of-function variants in DEPDC5 are known to be pathogenic (PMID: 23542697, 23542701). This variant is not present in population databases (gnomAD no frequency). This variant has not been reported in the literature in individuals affected with DEPDC5-related conditions. For these reasons, this variant has been classified as Pathogenic.

Literature cited by the submitters: PubMed 23542697; PubMed 23542701.

NM_001242896.3(DEPDC5):c.2940G>A (p.Trp980Ter)

Gene: DEPDC5 (DEP domain containing 5, GATOR1 subcomplex subunit; plus strand). Cytogenetic location: 22q12.3.
Variant type: single nucleotide variant.
Coding change: c.2940G>A on transcript NM_001242896.3 (MANE Select); coding-DNA position 2940, G replaced by A.
Protein change: p.Trp980Ter; replaces tryptophan 980 with a stop codon.
Molecular consequence: nonsense. On other transcripts: non-coding transcript variant (5).
Genome position (GRCh38, 1-based): chr22:31,845,156, G>A. VCF-style: chr22-31845156-G-A. GRCh37 (hg19) VCF-style: chr22-32241142-G-A.
Other names: c.2940G>A, p.Trp980Ter (NM_001364318.2, NM_001364320.2, NM_001363852.2); c.2706G>A, p.Trp902Ter (NM_001364319.2, NM_001242897.2, NM_001363854.2); c.2856G>A, p.Trp952Ter (NM_001369901.1, NM_001369902.1); c.2913G>A, p.Trp971Ter (NM_001369903.1, NM_014662.6, NM_001136029.4); short protein forms W952*, W971*, W902*, W980*.
Identifiers: ClinVar variation 2772443 (VCV002772443.3), dbSNP rs2520189518, ClinGen allele CA411291270.
Genomic context (GRCh38, chr22:31,845,156, plus strand): 5'-GGAGGGGGAGGCCCACTGCGACATCTATGGGGACAGGCCCCGTGCAGACGAGGACGAGTG[G>A]CAACTCCTGGATGGTTTTGTCCGCTTTGTGGAGGGCTTGAATCGCATTCGCAGGCGGCAT-3'